The following is an entry in ClinVar:

NM_144672.4(OTOA):c.987G>A (p.Gly329=)

Gene: OTOA (otoancorin). Cytogenetic location: 16p12.2.
Variant type: single nucleotide variant.
Coding change: c.987G>A on transcript NM_144672.4 (MANE Select); coding-DNA position 987, G replaced by A.
Protein change: p.Gly329=; no amino-acid change (glycine 329 retained).
Molecular consequence: synonymous variant.
Genome position (GRCh38, 1-based): chr16:21,705,175, G>A. VCF-style: chr16-21705175-G-A. GRCh37 (hg19) VCF-style: chr16-21716496-G-A.
Other names: c.750G>A, p.Gly250= (NM_001161683.2); c.15G>A, p.Gly5= (NM_170664.3).
Identifiers: ClinVar variation 517198 (VCV000517198.8), dbSNP rs758229970, ClinGen allele CA7952518.
Genomic context (GRCh38, chr16:21,705,175, plus strand): 5'-ATGGGCTGGTTCTGCGGTTACACCTCCACCACCATCCCTCCTCTTCTCACACAGGCTGGG[G>A]CTGCTGGTTTGTTTCTACAATGACCTGGAATTGCTGGATGCCACTGTGGCTCAAGTCCTG-3'
Protein context (NP_653273.3, residues 319-339): MRNTSTIHRL[Gly329=]LLVCFYNDLE

ClinVar aggregate classification (germline): Likely benign. Review status: criteria provided, multiple submitters, no conflicts (2 of 4 stars). 2 submissions from 2 submitters: Likely benign (2). Last evaluated 2023-12-30.

Allele frequency attached by ClinVar (database versions not stated): ExAC 0.00001; gnomAD 0.00002; gnomAD exomes 0.00002 and 0.00003; TOPMed below 0.00001.
gnomAD v4.1: 18 of 1,614,050 alleles (0.0011%); highest among the groups gnomAD compares: Admixed American, 0.0017%; no homozygotes.

Submissions (2):

Labcorp Genetics (formerly Invitae), Labcorp
Classification: Likely benign. Last evaluated: 2023-12-30. Review status: criteria provided, single submitter. Criteria: Invitae Variant Classification Sherloc (09022015). Collection method: clinical testing. Allele origin: germline.

Laboratory for Molecular Medicine, Mass General Brigham Personalized Medicine
Classification: Likely benign. Last evaluated: 2017-01-26. Review status: criteria provided, single submitter. Criteria: LMM Criteria. Collection method: clinical testing. Allele origin: germline. Observed: 1 variant allele.
Comment: p.Gly329Gly in exon 11 of OTOA: This variant is not expected to have clinical si gnificance because it does not alter an amino acid residue and is not located wi thin the splice consensus sequence. It has been identified in 1/66740 of Europea n chromosomes by the Exome Aggregation Consortium (ExAC; dbSNP rs758229970).